The following is an entry in ClinVar:

ClinVar aggregate classification (germline): Uncertain significance (1 of 4 stars; one submission).

Submission:

GeneDx
Classification: Uncertain significance. Last evaluated: 2022-01-05. Review status: criteria provided, single submitter. Criteria: GeneDx Variant Classification Process June 2021. Collection method: clinical testing. Allele origin: germline. Affected: yes.
Comment: Not observed at significant frequency in large population cohorts (gnomAD); In silico analysis supports that this missense variant has a deleterious effect on protein structure/function; Has not been previously published as pathogenic or benign to our knowledge

NM_032217.5(ANKRD17):c.3632C>T (p.Ser1211Phe)

Gene: ANKRD17 (ankyrin repeat domain 17; minus strand). Cytogenetic location: 4q13.3.
Variant type: single nucleotide variant.
Coding change: c.3632C>T on transcript NM_032217.5 (MANE Select); coding-DNA position 3632, C replaced by T.
Protein change: p.Ser1211Phe; replaces serine 1211 with phenylalanine.
Molecular consequence: missense variant.
Genome position (GRCh38, 1-based): chr4:73,121,620, G>A on the plus strand (C>T on the coding strand, the complement: ANKRD17 is on the minus strand). VCF-style: chr4-73121620-G-A. GRCh37 (hg19) VCF-style: chr4-73987337-G-A.
Other names: c.3293C>T, p.Ser1098Phe (NM_001286771.3); c.3629C>T, p.Ser1210Phe (NM_015574.2); c.2879C>T, p.Ser960Phe (NM_198889.3); short protein forms S1098F, S1210F, S1211F, S960F.
Identifiers: ClinVar variation 1695536 (VCV001695536.2), dbSNP rs2148701560, ClinGen allele CA357215071.
Genomic context (GRCh38, chr4:73,121,620, plus strand): 5'-AAATATCTATAACAGTCTTACTAAATAAGGGGCTTACAGAAAGGGAATACAACTTGCCTA[G>A]AGTTAATCTCAGCTCCTGCATTTAGTAATATTTTGATGATGTTCACATAGCCACCAGAAG-3'
Protein context (NP_115593.3, residues 1201-1221): ILLNAGAEIN[Ser1211Phe]RTGSKLGISP